The following is an entry in ClinVar:

ClinVar aggregate classification (germline): Uncertain significance. Review status: criteria provided, multiple submitters, no conflicts (2 of 4 stars). 2 submissions from 2 submitters: Uncertain significance (2). Last evaluated 2024-02-28.

Conditions:
Inborn genetic diseases. Identifiers: MedGen C0950123, MeSH D030342.

Allele frequency attached by ClinVar (database versions not stated): ExAC 0.00005; gnomAD exomes 0.00005 and 0.00016; TOPMed 0.00005; gnomAD 0.00007.
gnomAD v4.1: 235 of 1,613,272 alleles (0.015%); highest among the groups gnomAD compares: Non-Finnish European, 0.019%; no homozygotes.

Submissions (2):

Ambry Genetics
Classification: Uncertain significance for Inborn genetic diseases. Last evaluated: 2024-02-28. Review status: criteria provided, single submitter. Criteria: Ambry Variant Classification Scheme 2023. Collection method: clinical testing. Allele origin: germline.

Labcorp Genetics (formerly Invitae), Labcorp
Classification: Uncertain significance. Last evaluated: 2022-06-05. Review status: criteria provided, single submitter. Criteria: Invitae Variant Classification Sherloc (09022015). Collection method: clinical testing. Allele origin: germline.
Comment: This sequence change replaces glutamic acid, which is acidic and polar, with glutamine, which is neutral and polar, at codon 183 of the GTPBP3 protein (p.Glu183Gln). This variant is present in population databases (rs757119364, gnomAD 0.01%). This variant has not been reported in the literature in individuals affected with GTPBP3-related conditions. ClinVar contains an entry for this variant (Variation ID: 1397838). Algorithms developed to predict the effect of missense changes on protein structure and function are either unavailable or do not agree on the potential impact of this missense change (SIFT: "Tolerated"; PolyPhen-2: "Possibly Damaging"; Align-GVGD: "Class C0"). In summary, the available evidence is currently insufficient to determine the role of this variant in disease. Therefore, it has been classified as a Variant of Uncertain Significance.

NM_032620.4(GTPBP3):c.547G>C (p.Glu183Gln)

Gene: GTPBP3 (GTP binding protein 3, mitochondrial; plus strand). Cytogenetic location: 19p13.11.
Variant type: single nucleotide variant.
Coding change: c.547G>C on transcript NM_032620.4 (MANE Select); coding-DNA position 547, G replaced by C.
Protein change: p.Glu183Gln; replaces glutamic acid 183 with glutamine.
Molecular consequence: missense variant.
Genome position (GRCh38, 1-based): chr19:17,338,697, G>C. VCF-style: chr19-17338697-G-C. GRCh37 (hg19) VCF-style: chr19-17449506-G-C.
Other names: c.547G>C, p.Glu183Gln (NM_001128855.3, NM_133644.4); c.613G>C, p.Glu205Gln (NM_001195422.1); c.547G>C (NM_133644.3); short protein forms E183Q, E205Q.
Identifiers: ClinVar variation 1397838 (VCV001397838.4), dbSNP rs757119364, ClinGen allele CA9293387.